The following is an entry in ClinVar:

ClinVar aggregate classification (germline): Uncertain significance (1 of 4 stars; one submission).

Conditions:
Renal cell carcinoma. Identifiers: Orphanet 217071, MedGen C0007134, MeSH D002292, MONDO:0005086, HP:0005584.

Submission:

Labcorp Genetics (formerly Invitae), Labcorp
Classification: Uncertain significance for Renal cell carcinoma. Last evaluated: 2025-08-26. Review status: criteria provided, single submitter. Criteria: Invitae Variant Classification Sherloc (09022015). Collection method: clinical testing. Allele origin: germline.
Comment: This sequence change creates a premature translational stop signal (p.Phe96Serfs*25) in the MET gene. It is expected to result in an absent or disrupted protein product. However, the current clinical and genetic evidence is not sufficient to establish whether loss-of-function variants in MET cause disease. This variant is not present in population databases (gnomAD no frequency). This variant has not been reported in the literature in individuals affected with MET-related conditions. In summary, the available evidence is currently insufficient to determine the role of this variant in disease. Therefore, it has been classified as a Variant of Uncertain Significance.

NM_000245.4(MET):c.287del (p.Phe96fs)

Gene: MET (MET proto-oncogene, receptor tyrosine kinase; plus strand). Cytogenetic location: 7q31.2.
Variant type: Deletion.
Coding change: c.287del on transcript NM_000245.4 (MANE Select); coding-DNA position 287, one base deleted (T; older notation c.287delT).
Protein change: p.Phe96fs; shifts the reading frame from phenylalanine 96.
Molecular consequence: frameshift variant. On other transcripts: intron variant (1).
Genome position (GRCh38, 1-based): chr7:116,699,371, T deleted; the last of 3 consecutive T bases (chr7:116,699,369-116,699,371); deleting any one gives the same sequence. VCF-style (leftmost placement, unchanged base first): chr7-116699368-GT-G. GRCh37 (hg19) VCF-style: chr7-116339422-GT-G.
Other names: c.287del, p.Phe96fs (NM_001127500.3, NM_001324401.3); c.-91+26794del (NM_001324402.2); short protein forms F96fs.
Identifiers: ClinVar variation 4737296 (VCV004737296.1).
Genomic context (GRCh38, chr7:116,699,368, plus strand): 5'-AGGAAGACCTTCAGAAGGTTGCTGAGTACAAGACTGGGCCTGTGCTGGAACACCCAGATT[GT>G]TTCCCATGTCAGGACTGCAGCAGCAAAGCCAATTTATCAGGAGGTGTTTGGAAAGATAAC-3'